The following is an entry in ClinVar:

NM_138420.4(AHNAK2):c.5860A>G (p.Met1954Val)

Gene: AHNAK2 (AHNAK nucleoprotein 2; minus strand). Cytogenetic location: 14q32.33.
Variant type: single nucleotide variant.
Coding change: c.5860A>G on transcript NM_138420.4 (MANE Select); coding-DNA position 5860, A replaced by G.
Protein change: p.Met1954Val; replaces methionine 1954 with valine.
Molecular consequence: missense variant.
Genome position (GRCh38, 1-based): chr14:104,949,591, T>C on the plus strand (A>G on the coding strand, the complement: AHNAK2 is on the minus strand). VCF-style: chr14-104949591-T-C. GRCh37 (hg19) VCF-style: chr14-105415928-T-C.
Other names: c.5560A>G, p.Met1854Val (NM_001350929.2); short protein forms M1854V, M1954V.
Identifiers: ClinVar variation 4872908 (VCV004872908.2).

ClinVar aggregate classification (germline): Likely benign (1 of 4 stars; one submission).

Submission:

CeGaT Center for Human Genetics Tuebingen
Classification: Likely benign. Last evaluated: 2026-04-01. Review status: criteria provided, single submitter. Criteria: CeGaT Center For Human Genetics Tuebingen Variant Classification Criteria Version 2. Collection method: clinical testing. Allele origin: germline. Affected: yes. Observed: 1 variant allele.
Comment: AHNAK2: BP4, BS2